The following is an entry in ClinVar:

ClinVar aggregate classification (germline): Uncertain significance (1 of 4 stars; one submission).

Allele frequency attached by ClinVar (database versions not stated): gnomAD 0.00001; TOPMed below 0.00001.
gnomAD v4.1: 1 of 1,206,678 alleles (0.000083%); highest among the groups gnomAD compares: Non-Finnish European, 0.00011%; no homozygotes.

Submission:

GeneDx
Classification: Uncertain significance. Last evaluated: 2019-10-10. Review status: criteria provided, single submitter. Criteria: GeneDx Variant Classification Process June 2021. Collection method: clinical testing. Allele origin: germline. Affected: yes.
Comment: Not observed in large population cohorts (Lek et al., 2016); In silico analysis, which includes protein predictors and evolutionary conservation, supports that this variant does not alter protein structure/function; Has not been previously published as pathogenic or benign to our knowledge

NM_031407.7(HUWE1):c.2785T>G (p.Leu929Val)

Gene: HUWE1 (HECT, UBA and WWE domain containing E3 ubiquitin protein ligase 1; minus strand). Cytogenetic location: Xp11.22.
Variant type: single nucleotide variant.
Coding change: c.2785T>G on transcript NM_031407.7 (MANE Select); coding-DNA position 2785, T replaced by G.
Protein change: p.Leu929Val; replaces leucine 929 with valine.
Molecular consequence: missense variant.
Genome position (GRCh38, 1-based): chrX:53,603,459, A>C on the plus strand (T>G on the coding strand, the complement: HUWE1 is on the minus strand). VCF-style: chrX-53603459-A-C. GRCh37 (hg19) VCF-style: chrX-53630420-A-C.
Other names: short protein forms L929V.
Identifiers: ClinVar variation 1308750 (VCV001308750.2), dbSNP rs781791165, ClinGen allele CA413180627.